The following continues an entry in ClinVar:

NM_000179.3(MSH6):c.3160A>T (p.Ile1054Phe)

Gene: MSH6. ClinVar aggregate classification (germline): Likely benign. Likely benign (1).

Submissions 19 to 24 of 24:

Ambry Genetics
Classification: Likely benign for Hereditary cancer-predisposing syndrome. Last evaluated: 2019-01-15. Review status: criteria provided, single submitter. Criteria: Ambry Variant Classification Scheme 2023. Collection method: clinical testing. Allele origin: germline. Not counted in ClinVar's aggregate classification.

Institute of Human Genetics, University of Leipzig Medical Center
Classification: Likely benign for Breast carcinoma. Last evaluated: 2019-01-01. Review status: criteria provided, single submitter. Criteria: ACMG Guidelines, 2015. Collection method: clinical testing. Allele origin: unknown. Affected: yes. Not counted in ClinVar's aggregate classification.

Illumina Laboratory Services, Illumina
Classification: Uncertain significance for Lynch syndrome 5. Last evaluated: 2017-04-27. Review status: criteria provided, single submitter. Criteria: ICSL Variant Classification Criteria 13 December 2019. Collection method: clinical testing. Allele origin: germline. Not counted in ClinVar's aggregate classification.
Comment: This variant was observed as part of a predisposition screen in an ostensibly healthy population. A literature search was performed for the gene, cDNA change, and amino acid change (where applicable). Publications were found based on this search. However, the evidence from the literature, in combination with allele frequency data from public databases where available, was not sufficient to rule this variant in or out of causing disease. Therefore, this variant is classified as a variant of unknown significance.

PreventionGenetics, part of Exact Sciences
Classification: Likely benign for MSH6-related condition. Last evaluated: 2019-11-15. Review status: no assertion criteria provided. Collection method: clinical testing. Allele origin: germline. Not counted in ClinVar's aggregate classification.
Comment: This variant is classified as likely benign based on ACMG/AMP sequence variant interpretation guidelines (Richards et al. 2015 PMID: 25741868, with internal and published modifications).

Mayo Clinic Laboratories, Mayo Clinic
Classification: Likely benign. Last evaluated: 2017-11-10. Review status: no assertion criteria provided. Collection method: clinical testing. Allele origin: unknown. Not counted in ClinVar's aggregate classification.

Department of Pathology and Laboratory Medicine, Sinai Health System
Classification: Likely benign for Lynch syndrome. Review status: no assertion criteria provided. Collection method: clinical testing. Allele origin: unknown. Affected: yes. Observed: 1 variant allele. Study: The Canadian Open Genetics Repository (COGR). Not counted in ClinVar's aggregate classification.
Comment: The MSH6 p.Ile1054Phe variant was identified in 1 of 128 proband chromosomes (frequency: 0.008) from individuals or families with Lynch Syndrome (Steinke 2008). The variant was also identified in dbSNP (ID: rs267608075) as "With Uncertain significance allele ", ClinVar (classified as benign by Invitae; as likely benign by InSight, GeneDx, Mayo Clinic; as uncertain significance by Integrated Genetics/Laboratory Corporation of America), Cosmic (1x in breast tissue), Mismatch Repair Genes Variant Database, and in Insight Hereditary Tumors Database (1x). The variant was not identified in COGR, MutDB, UMD-LSDB, or Zhejiang University Database. The variant was identified in control databases in 46 of 272594 chromosomes at a frequency of 0.0002 (Genome Aggregation Database Feb 27, 2017). The variant was observed in the following populations: Other in 4 of 6410 chromosomes (freq: 0.0006), European in 18 of 125624 chromosomes (freq: 0.0001), Ashkenazi Jewish in 23 of 10110 chromosomes (freq: 0.002), and South Asian in 1 of 30758 chromosomes (freq: 0.00003), while the variant was not observed in the African, Latino, East Asian, or Finnish populations. The p.Ile1054 residue is conserved in mammals but not in more distantly related organisms however four out of five computational analyses (PolyPhen-2, SIFT, AlignGVGD, BLOSUM, MutationTaster) do not suggest a high likelihood of impact to the protein; this information is not predictive enough to rule out pathogenicity. The variant occurs outside of the splicing consensus sequence and in silico or computational prediction software programs (SpliceSiteFinder, MaxEntScan, NNSPLICE, GeneSplicer) do not predict a difference in splicing. In addition, the variant demonstrated micro satellite stability and normal expression of MSH6 and prediction modeling determined the variant t be a polymorphism (Steinke 2008, Terui 2013). In summary, based on the above information the clinical significance of this variant cannot be determined with certainty at this time although we would lean towards a more benign role for this variant. This variant is classified as likely benign.

Literature cited by the submitters: PubMed 36793599 (cited by Quest Diagnostics Nichols Institute San Juan Capistrano); PubMed 39659251 (cited by Quest Diagnostics Nichols Institute San Juan Capistrano); PubMed 18301448 (cited by 3 submitters); PubMed 22290698 (cited by 3 submitters); PubMed 23621914 (cited by 3 submitters); PubMed 25479140 (cited by Quest Diagnostics Nichols Institute San Juan Capistrano and Women's Health and Genetics/Laboratory Corporation of America, LabCorp); PubMed 23047549 (cited by Quest Diagnostics Nichols Institute San Juan Capistrano and Women's Health and Genetics/Laboratory Corporation of America, LabCorp); PubMed 35264596 (cited by Quest Diagnostics Nichols Institute San Juan Capistrano); PubMed 33471991 (cited by Quest Diagnostics Nichols Institute San Juan Capistrano and Women's Health and Genetics/Laboratory Corporation of America, LabCorp); PubMed 31965077 (cited by Quest Diagnostics Nichols Institute San Juan Capistrano and Women's Health and Genetics/Laboratory Corporation of America, LabCorp); PubMed 31391288 (cited by Quest Diagnostics Nichols Institute San Juan Capistrano and Women's Health and Genetics/Laboratory Corporation of America, LabCorp).